The following is an entry in ClinVar:

NM_004606.5(TAF1):c.2891T>G (p.Phe964Cys)

Gene: TAF1 (TATA-box binding protein associated factor 1; plus strand). Cytogenetic location: Xq13.1.
Variant type: single nucleotide variant.
Coding change: c.2891T>G on transcript NM_004606.5 (MANE Select); coding-DNA position 2891, T replaced by G.
Protein change: p.Phe964Cys; replaces phenylalanine 964 with cysteine.
Molecular consequence: missense variant. On other transcripts: non-coding transcript variant (9).
Genome position (GRCh38, 1-based): chrX:71,392,678, T>G. VCF-style: chrX-71392678-T-G. GRCh37 (hg19) VCF-style: chrX-70612528-T-G.
Other names: c.2891T>G, p.Phe964Cys (NM_001286074.2); c.2828T>G, p.Phe943Cys (NM_138923.4); short protein forms F943C, F964C.
Identifiers: ClinVar variation 2579833 (VCV002579833.1), dbSNP rs2520350227, ClinGen allele CA413525061.

ClinVar aggregate classification (germline): Uncertain significance (1 of 4 stars; one submission).

Submission:

GeneDx
Classification: Uncertain significance. Last evaluated: 2023-03-13. Review status: criteria provided, single submitter. Criteria: GeneDx Variant Classification Process June 2021. Collection method: clinical testing. Allele origin: germline. Affected: yes.
Comment: Not observed at significant frequency in large population cohorts (gnomAD); In silico analysis supports that this missense variant has a deleterious effect on protein structure/function; Has not been previously published as pathogenic or benign to our knowledge